The following is an entry in ClinVar:

ClinVar aggregate classification (germline): Uncertain significance (1 of 4 stars; one submission).

Submission:

Women's Health and Genetics/Laboratory Corporation of America, LabCorp
Classification: Uncertain significance. Last evaluated: 2023-02-15. Review status: criteria provided, single submitter. Criteria: LabCorp Variant Classification Summary - May 2015. Collection method: clinical testing. Allele origin: germline.
Comment: Variant summary: TMPO c.1719T>G (p.Tyr573X) results in a premature termination codon, predicted to cause a truncation of the Lamina-associated polypeptide 2 alpha, C-terminal (IPR021623) domain of the encoded protein, although it is located in a region where nonsense mediated decay is not expected. Truncations downstream of this position have not been classified as pathogenic by our laboratory or by other ClinVar submitters. The variant was absent in 249856 control chromosomes. To our knowledge, no occurrence of c.1719T>G in individuals affected with Dilated Cardiomyopathy and no experimental evidence demonstrating its impact on protein function have been reported. No clinical diagnostic laboratories have submitted clinical-significance assessments for this variant to ClinVar after 2014. Based on the evidence outlined above, the variant was classified as uncertain significance.

NM_001032283.3(TMPO):c.565+2138T>G

Gene: TMPO (thymopoietin; plus strand). Cytogenetic location: 12q23.1.
Variant type: single nucleotide variant.
Coding change: c.565+2138T>G on transcript NM_001032283.3 (MANE Select); 2138 bases into the intron after coding-DNA position 565, T replaced by G.
Molecular consequence: intron variant. On other transcripts: nonsense (1).
Genome position (GRCh38, 1-based): chr12:98,533,976, T>G. VCF-style: chr12-98533976-T-G. GRCh37 (hg19) VCF-style: chr12-98927754-T-G.
Other names: c.1719T>G, p.Tyr573Ter (NM_003276.2); c.565+2138T>G (NM_001307975.2, NM_001032284.3); short protein forms Y573*.
Identifiers: ClinVar variation 2445858 (VCV002445858.1), dbSNP rs2548504733, ClinGen allele CA386153794.
Genomic context (GRCh38, chr12:98,533,976, plus strand): 5'-TCAAGCAGCCTCCACTGAGTCTTGCAATCAGCAGTTGGACTTAGCACTCTGTAGAGCATA[T>G]GAAGCTGCAGCATCAGCATTGCAGATTGCAACTCACACTGCCTTTGTAGCTAAGGCTATG-3'